The following is an entry in ClinVar:

ClinVar aggregate classification (germline): Uncertain significance (1 of 4 stars; one submission).

Submission:

Labcorp Genetics (formerly Invitae), Labcorp
Classification: Uncertain significance. Last evaluated: 2025-01-01. Review status: criteria provided, single submitter. Criteria: Invitae Variant Classification Sherloc (09022015). Collection method: clinical testing. Allele origin: germline.
Comment: This sequence change replaces cysteine, which is neutral and slightly polar, with arginine, which is basic and polar, at codon 82 of the GPR143 protein (p.Cys82Arg). This variant is not present in population databases (gnomAD no frequency). This variant has not been reported in the literature in individuals affected with GPR143-related conditions. Invitae Evidence Modeling of protein sequence and biophysical properties (such as structural, functional, and spatial information, amino acid conservation, physicochemical variation, residue mobility, and thermodynamic stability) indicates that this missense variant is expected to disrupt GPR143 protein function with a positive predictive value of 95%. In summary, the available evidence is currently insufficient to determine the role of this variant in disease. Therefore, it has been classified as a Variant of Uncertain Significance.

NM_000273.3(GPR143):c.244T>C (p.Cys82Arg)

Gene: GPR143 (G protein-coupled receptor 143; minus strand). Cytogenetic location: Xp22.2.
Variant type: single nucleotide variant.
Coding change: c.244T>C on transcript NM_000273.3 (MANE Select); coding-DNA position 244, T replaced by C.
Protein change: p.Cys82Arg; replaces cysteine 82 with arginine.
Molecular consequence: missense variant.
Genome position (GRCh38, 1-based): chrX:9,765,574, A>G on the plus strand (T>C on the coding strand, the complement: GPR143 is on the minus strand). VCF-style: chrX-9765574-A-G. GRCh37 (hg19) VCF-style: chrX-9733614-A-G.
Other names: short protein forms C82R.
Identifiers: ClinVar variation 3621788 (VCV003621788.2).
Genomic context (GRCh38, chrX:9,765,574, plus strand): 5'-GCCCTCACCCAGGCGCTGATCAGATTCCAACCCGCGGGCCGCGCGCGCCCTTACCCAGGC[A>G]GCCGAGAAGGTCGCAGGCAGCGGCAGCGCGCAGGATGCGGACCGAGGCCGGCGGGGACGT-3'
Protein context (NP_000264.2, residues 72-92): RAAAACDLLG[Cys82Arg]LGMVIRSTVW